The following is an entry in ClinVar:

NM_025074.7(FRAS1):c.4159_4160delinsTT (p.Ala1387Leu)

Gene: FRAS1 (Fraser extracellular matrix complex subunit 1; plus strand). Cytogenetic location: 4q21.21.
Variant type: Indel.
Coding change: c.4159_4160delinsTT on transcript NM_025074.7 (MANE Select); coding-DNA positions 4159 to 4160, GC replaced by TT.
Protein change: p.Ala1387Leu; replaces alanine 1387 with leucine.
Molecular consequence: missense variant.
Genome position (GRCh38, 1-based): chr4:78,407,692-78,407,693, GC replaced by TT. VCF-style: chr4-78407692-GC-TT. GRCh37 (hg19) VCF-style: chr4-79328846-GC-TT.
Other names: c.4159_4160delinsTT, p.Ala1387Leu (NM_001166133.2); short protein forms A1387L.
Identifiers: ClinVar variation 1478068 (VCV001478068.6), dbSNP rs2110353283, ClinGen allele CA2573138351.

ClinVar aggregate classification (germline): Conflicting classifications of pathogenicity. Review status: criteria provided, conflicting classifications (1 of 4 stars). 2 submissions from 2 submitters: Uncertain significance (1); Likely benign (1). Last evaluated 2024-02-05.

Conditions:
Fraser syndrome 1 (FRASRS1). Also called: CRYPTOPHTHALMOS WITH OTHER MALFORMATIONS. Identifiers: Orphanet 2052, MedGen C4551480, MONDO:0054737, OMIM 219000.

Submissions (2):

Fulgent Genetics
Classification: Likely benign for Fraser syndrome 1. Last evaluated: 2024-02-05. Review status: criteria provided, single submitter. Criteria: ACMG Guidelines, 2015. Collection method: clinical testing. Allele origin: germline.

Labcorp Genetics (formerly Invitae), Labcorp
Classification: Uncertain significance. Last evaluated: 2022-08-12. Review status: criteria provided, single submitter. Criteria: Invitae Variant Classification Sherloc (09022015). Collection method: clinical testing. Allele origin: germline.
Comment: This sequence change replaces alanine, which is neutral and non-polar, with leucine, which is neutral and non-polar, at codon 1387 of the FRAS1 protein (p.Ala1387Leu). This variant is present in population databases (no rsID available, gnomAD 12%), and has an allele count higher than expected for a pathogenic variant. This missense change has been observed in individual(s) with congenital anomalies of the kidney and urinary tract (PMID: 24700879). ClinVar contains an entry for this variant (Variation ID: 1478068). Algorithms developed to predict the effect of missense changes on protein structure and function are either unavailable or do not agree on the potential impact of this missense change (SIFT: "Not Available"; PolyPhen-2: "Benign"; Align-GVGD: "Not Available"). In summary, the available evidence is currently insufficient to determine the role of this variant in disease. Therefore, it has been classified as a Variant of Uncertain Significance.

Literature cited by the submitters: PubMed 24700879 (cited by Labcorp Genetics (formerly Invitae), Labcorp).